The following is an entry in ClinVar:

NM_020987.5(ANK3):c.9575A>C (p.Tyr3192Ser)

Gene: ANK3 (ankyrin 3; minus strand). Cytogenetic location: 10q21.2.
Variant type: single nucleotide variant.
Coding change: c.9575A>C on transcript NM_020987.5 (MANE Select); coding-DNA position 9575, A replaced by C.
Protein change: p.Tyr3192Ser; replaces tyrosine 3192 with serine.
Molecular consequence: missense variant. On other transcripts: intron variant (4).
Genome position (GRCh38, 1-based): chr10:60,071,306, T>G on the plus strand (A>C on the coding strand, the complement: ANK3 is on the minus strand). VCF-style: chr10-60071306-T-G. GRCh37 (hg19) VCF-style: chr10-61831064-T-G.
Other names: c.4388-3297A>C (NM_001204403.2); c.4409-3297A>C (NM_001204404.2); c.4406-3297A>C (NM_001320874.2); c.1808-3297A>C (NM_001149.4); short protein forms Y3192S.
Identifiers: ClinVar variation 5018319 (VCV005018319.1).

ClinVar aggregate classification (germline): Uncertain significance (1 of 4 stars; one submission).

gnomAD v4.1: 1 of 1,614,138 alleles (0.000062%); highest among the groups gnomAD compares: African/African-American, 0.0013%; no homozygotes.

Submission:

GeneDx
Classification: Uncertain significance. Last evaluated: 2026-04-07. Review status: criteria provided, single submitter. Criteria: GeneDx Variant Classification Process June 2021. Collection method: clinical testing. Allele origin: germline.
Comment: Not observed at significant frequency in large population cohorts (gnomAD); In silico analysis suggests that this missense variant does not alter protein structure/function; Has not been previously published as pathogenic or benign to our knowledge